The following is an entry in ClinVar:

ClinVar aggregate classification (germline): Uncertain significance. Review status: criteria provided, multiple submitters, no conflicts (2 of 4 stars). 2 submissions from 2 submitters: Uncertain significance (2). Last evaluated 2025-03-17.

Conditions:
Arrhythmogenic right ventricular dysplasia 5. Also called: ARRHYTHMOGENIC RIGHT VENTRICULAR DYSPLASIA, FAMILIAL, 5; Arrhythmogenic Right Ventricular Dysplasia/Cardiomyopathy 5. Identifiers: MedGen C1858379, MONDO:0011459, OMIM 604400.

Allele frequency attached by ClinVar (database versions not stated): gnomAD exomes below 0.00001.
gnomAD v4.1: 1 of 1,614,200 alleles (0.000062%); highest among the groups gnomAD compares: African/African-American, 0.0013%; no homozygotes.

Submissions (2):

Labcorp Genetics (formerly Invitae), Labcorp
Classification: Uncertain significance for Arrhythmogenic right ventricular dysplasia 5. Last evaluated: 2025-03-17. Review status: criteria provided, single submitter. Criteria: Invitae Variant Classification Sherloc (09022015). Collection method: clinical testing. Allele origin: germline.
Comment: This sequence change replaces alanine, which is neutral and non-polar, with valine, which is neutral and non-polar, at codon 313 of the TMEM43 protein (p.Ala313Val). This variant is present in population databases (no rsID available, gnomAD 0.007%). This variant has not been reported in the literature in individuals affected with TMEM43-related conditions. ClinVar contains an entry for this variant (Variation ID: 1198470). Invitae Evidence Modeling of protein sequence and biophysical properties (such as structural, functional, and spatial information, amino acid conservation, physicochemical variation, residue mobility, and thermodynamic stability) indicates that this missense variant is not expected to disrupt TMEM43 protein function with a negative predictive value of 80%. In summary, the available evidence is currently insufficient to determine the role of this variant in disease. Therefore, it has been classified as a Variant of Uncertain Significance.

GeneDx
Classification: Uncertain significance. Last evaluated: 2020-10-07. Review status: criteria provided, single submitter. Criteria: GeneDx Variant Classification Process June 2021. Collection method: clinical testing. Allele origin: germline. Affected: yes.
Comment: Has not been previously published as pathogenic or benign to our knowledge; Not observed at a significant frequency in large population cohorts (Lek et al., 2016); In silico analysis supports that this missense variant does not alter protein structure/function

NM_024334.3(TMEM43):c.938C>T (p.Ala313Val)

Gene: TMEM43 (transmembrane protein 43; plus strand). Cytogenetic location: 3p25.1.
Variant type: single nucleotide variant.
Coding change: c.938C>T on transcript NM_024334.3 (MANE Select); coding-DNA position 938, C replaced by T.
Protein change: p.Ala313Val; replaces alanine 313 with valine.
Molecular consequence: missense variant.
Genome position (GRCh38, 1-based): chr3:14,139,235, C>T. VCF-style: chr3-14139235-C-T. GRCh37 (hg19) VCF-style: chr3-14180735-C-T.
Other names: short protein forms A313V.
Identifiers: ClinVar variation 1198470 (VCV001198470.3), dbSNP rs1414806628, ClinGen allele CA351536196.